The following is an entry in ClinVar:

NM_001184.4(ATR):c.1720A>G (p.Ile574Val)

Gene: ATR (ATR checkpoint kinase; minus strand). Cytogenetic location: 3q23.
Variant type: single nucleotide variant.
Coding change: c.1720A>G on transcript NM_001184.4 (MANE Select); coding-DNA position 1720, A replaced by G.
Protein change: p.Ile574Val; replaces isoleucine 574 with valine.
Molecular consequence: missense variant.
Genome position (GRCh38, 1-based): chr3:142,559,263, T>C on the plus strand (A>G on the coding strand, the complement: ATR is on the minus strand). VCF-style: chr3-142559263-T-C. GRCh37 (hg19) VCF-style: chr3-142278105-T-C.
Other names: c.1528A>G, p.Ile510Val (NM_001354579.2); short protein forms I510V, I574V.
Identifiers: ClinVar variation 1778747 (VCV001778747.2), dbSNP rs2108479393, ClinGen allele CA354821763.

ClinVar aggregate classification (germline): Uncertain significance (1 of 4 stars; one submission).

Conditions:
Inborn genetic diseases. Identifiers: MedGen C0950123, MeSH D030342.

Allele frequency attached by ClinVar (database versions not stated): gnomAD exomes below 0.00001.
gnomAD v4.1: 2 of 1,613,688 alleles (0.00012%); highest among the groups gnomAD compares: Non-Finnish European, 0.00017%; no homozygotes.

Submission:

Ambry Genetics
Classification: Uncertain significance for Inborn genetic diseases. Last evaluated: 2022-09-24. Review status: criteria provided, single submitter. Criteria: Ambry Variant Classification Scheme 2023. Collection method: clinical testing. Allele origin: germline.
Comment: The p.I574V variant (also known as c.1720A>G), located in coding exon 7 of the ATR gene, results from an A to G substitution at nucleotide position 1720. The isoleucine at codon 574 is replaced by valine, an amino acid with highly similar properties. This amino acid position is conserved. In addition, this alteration is predicted to be tolerated by in silico analysis. Since supporting evidence is limited at this time, the clinical significance of this alteration remains unclear.